The following is an entry in ClinVar:

NM_145178.4(ATOH7):c.109A>G (p.Ser37Gly)

Gene: ATOH7 (atonal bHLH transcription factor 7; minus strand). Cytogenetic location: 10q21.3.
Variant type: single nucleotide variant.
Coding change: c.109A>G on transcript NM_145178.4 (MANE Select); coding-DNA position 109, A replaced by G.
Protein change: p.Ser37Gly; replaces serine 37 with glycine.
Molecular consequence: missense variant.
Genome position (GRCh38, 1-based): chr10:68,231,569, T>C on the plus strand (A>G on the coding strand, the complement: ATOH7 is on the minus strand). VCF-style: chr10-68231569-T-C. GRCh37 (hg19) VCF-style: chr10-69991326-T-C.
Other names: short protein forms S37G.
Identifiers: ClinVar variation 2051478 (VCV002051478.4), dbSNP rs2492043536, ClinGen allele CA376837378.

ClinVar aggregate classification (germline): Uncertain significance (1 of 4 stars; one submission).

Submission:

Labcorp Genetics (formerly Invitae), Labcorp
Classification: Uncertain significance. Last evaluated: 2022-08-01. Review status: criteria provided, single submitter. Criteria: Invitae Variant Classification Sherloc (09022015). Collection method: clinical testing. Allele origin: germline.
Comment: In summary, the available evidence is currently insufficient to determine the role of this variant in disease. Therefore, it has been classified as a Variant of Uncertain Significance. Algorithms developed to predict the effect of missense changes on protein structure and function are either unavailable or do not agree on the potential impact of this missense change (SIFT: "Tolerated"; PolyPhen-2: "Possibly Damaging"; Align-GVGD: "Class C0"). This variant has not been reported in the literature in individuals affected with ATOH7-related conditions. This variant is not present in population databases (gnomAD no frequency). This sequence change replaces serine, which is neutral and polar, with glycine, which is neutral and non-polar, at codon 37 of the ATOH7 protein (p.Ser37Gly).